The following is an entry in ClinVar:

ClinVar aggregate classification (germline): Benign (3 of 4 stars; one submission).

Conditions:
Breast-ovarian cancer, familial, susceptibility to, 2 (BROVCA2). Also called: BRCA2 Hereditary Breast and Ovarian Cancer. Identifiers: Orphanet 145, MedGen C2675520, MONDO:0012933, OMIM 612555. Disease mechanism: loss of function.

Allele frequency attached by ClinVar (database versions not stated): 1000 Genomes Project 0.00958; 1000 Genomes Project 30x 0.01046; gnomAD 0.01144 and 0.01234; TOPMed 0.01350.
gnomAD v4.1: 1,713 of 152,022 alleles (1.1%); highest among the groups gnomAD compares: African/African-American, 3.9%; 34 homozygotes.

Submission:

Evidence-based Network for the Interpretation of Germline Mutant Alleles (ENIGMA)
Classification: Benign for Breast-ovarian cancer, familial 2. Last evaluated: 2015-01-12. Review status: reviewed by expert panel. Criteria: ENIGMA BRCA1/2 Classification Criteria (2015). Collection method: curation. Allele origin: germline.
Comment: Class 1 not pathogenic based on frequency >1% in an outbred sampleset. Frequency 0.02642 (African), derived from 1000 genomes (2012-04-30).

NM_000059.4(BRCA2):c.681+209C>T

Gene: BRCA2 (BRCA2 DNA repair associated; plus strand). Cytogenetic location: 13q13.1.
Variant type: single nucleotide variant.
Coding change: c.681+209C>T on transcript NM_000059.4 (MANE Select); 209 bases into the intron after coding-DNA position 681, C replaced by T.
Molecular consequence: intron variant.
Genome position (GRCh38, 1-based): chr13:32,329,701, C>T. VCF-style: chr13-32329701-C-T. GRCh37 (hg19) VCF-style: chr13-32903838-C-T.
Other names: IVS 8+209C>T.
Identifiers: ClinVar variation 209664 (VCV000209664.1), dbSNP rs11571626, ClinGen allele CA276633.